The following is an entry in ClinVar:

NM_001903.5(CTNNA1):c.136_143delinsT (p.Gly46fs)

Gene: CTNNA1 (catenin alpha 1; plus strand). Cytogenetic location: 5q31.2.
Variant type: Indel.
Coding change: c.136_143delinsT on transcript NM_001903.5 (MANE Select); coding-DNA positions 136 to 143, GGGCCCTC replaced by T.
Protein change: p.Gly46fs; shifts the reading frame from glycine 46.
Molecular consequence: frameshift variant. On other transcripts: 5 prime UTR variant (1), intron variant (1).
Genome position (GRCh38, 1-based): chr5:138,783,207-138,783,214, GGGCCCTC replaced by T. VCF-style: chr5-138783207-GGGCCCTC-T. GRCh37 (hg19) VCF-style: chr5-138118896-GGGCCCTC-T.
Other names: c.136_143delinsT, p.Gly46fs (NM_001290307.3, NM_001323982.2, NM_001323983.1 and 3 more transcripts); c.-71_-64delinsT (NM_001290310.3); c.-9+1178_-9+1185delinsT (NM_001290309.3); short protein forms G46fs.
Identifiers: ClinVar variation 4869485 (VCV004869485.1).

ClinVar aggregate classification (germline): Pathogenic (1 of 4 stars; one submission).

Conditions:
Hereditary cancer-predisposing syndrome. Also called: Neoplastic Syndromes, Hereditary; Tumor predisposition; Hereditary Cancer Syndrome; Hereditary neoplastic syndrome. Identifiers: Orphanet 140162, MedGen C0027672, MeSH D009386, MONDO:0015356.

Submission:

Ambry Genetics
Classification: Pathogenic for Hereditary cancer-predisposing syndrome. Last evaluated: 2026-05-22. Review status: criteria provided, single submitter. Criteria: Ambry Variant Classification Scheme 2023. Collection method: clinical testing. Allele origin: germline.
Comment: The c.136_143delGGGCCCTCinsT variant, located in coding exon 2 of the CTNNA1 gene, results from the deletion of 8 nucleotides and insertion of one nucleotide causing a translational frameshift with a predicted alternate stop codon (p.G46Lfs*47). This variant is considered to be rare based on population cohorts in the Genome Aggregation Database (gnomAD). This alteration is expected to result in loss of function by premature protein truncation or nonsense-mediated mRNA decay. As such, this alteration is interpreted as a disease-causing mutation.